The following is an entry in ClinVar:

NM_000038.6(APC):c.4885_4895dup (p.Thr1633fs)

Gene: APC (APC regulator of Wnt signaling pathway; plus strand). Cytogenetic location: 5q22.2.
Variant type: Duplication.
Coding change: c.4885_4895dup on transcript NM_000038.6 (MANE Select); coding-DNA positions 4885 to 4895, 11 bases duplicated (CATGTTAGTTT).
Protein change: p.Thr1633fs; shifts the reading frame from threonine 1633.
Molecular consequence: frameshift variant.
Genome position (GRCh38, 1-based): chr5:112,840,479-112,840,489, CATGTTAGTTT duplicated. VCF-style (leftmost placement, unchanged base first): chr5-112840478-G-GCATGTTAGTTT. GRCh37 (hg19) VCF-style: chr5-112176175-G-GCATGTTAGTTT.
Other names: c.4885_4895dup, p.Thr1633fs (NM_001127510.3, NM_001354895.2); c.4831_4841dup, p.Thr1615fs (NM_001127511.3); c.4939_4949dup, p.Thr1651fs (NM_001354896.2); c.4915_4925dup, p.Thr1643fs (NM_001354897.2); c.4810_4820dup, p.Thr1608fs (NM_001354898.2); c.4801_4811dup, p.Thr1605fs (NM_001354899.2); c.4762_4772dup, p.Thr1592fs (NM_001354900.2); c.4708_4718dup, p.Thr1574fs (NM_001354901.2); and 16 more; short protein forms T1507fs, T1615fs, T1633fs, T1473fs, T1592fs, T1643fs, T1651fs, T1350fs.
Identifiers: ClinVar variation 1743812 (VCV001743812.3), dbSNP rs2533606290, ClinGen allele CA2580072583.

ClinVar aggregate classification (germline): Pathogenic. Review status: criteria provided, multiple submitters, no conflicts (2 of 4 stars). 2 submissions from 2 submitters: Pathogenic (2). Last evaluated 2023-05-12.

Conditions:
Hereditary cancer-predisposing syndrome. Also called: Hereditary Cancer Syndrome; Neoplastic Syndromes, Hereditary; Tumor predisposition; Hereditary neoplastic syndrome. Identifiers: Orphanet 140162, MedGen C0027672, MeSH D009386, MONDO:0015356.
Familial adenomatous polyposis 1 (FAP1). Also called: FAMILIAL ADENOMATOUS POLYPOSIS 1, ATTENUATED; POLYPOSIS, ADENOMATOUS INTESTINAL. Identifiers: MedGen C2713442, MONDO:0021056, OMIM 175100. Disease mechanism: loss of function.

Submissions (2):

Myriad Genetics, Inc.
Classification: Pathogenic for Familial adenomatous polyposis 1. Last evaluated: 2023-05-12. Review status: criteria provided, single submitter. Criteria: Myriad Autosomal Dominant, Autosomal Recessive and X-Linked Classification Criteria (2023). Collection method: clinical testing. Allele origin: unknown.
Comment: This variant is considered pathogenic. This variant creates a frameshift predicted to result in premature protein truncation.

Ambry Genetics
Classification: Pathogenic for Hereditary cancer-predisposing syndrome. Last evaluated: 2015-02-06. Review status: criteria provided, single submitter. Criteria: Ambry Variant Classification Scheme 2023. Collection method: clinical testing. Allele origin: germline.
Comment: The c.4885_4895dup11 pathogenic mutation, located in coding exon 15 of the APC gene, results from a duplication of 11 nucleotides at positions 4885 through 4895, causing a translational frameshift with a predicted alternate stop codon. Since frameshifts are typically deleterious in nature, this alteration is interpreted as a disease-causing mutation (ACMG Recommendations for Standards for Interpretation and Reporting of Sequence Variations. Revision 2007. Genet Med. 2008;10:294).